The following is an entry in ClinVar:

ClinVar aggregate classification (germline): Conflicting classifications of pathogenicity. Review status: criteria provided, conflicting classifications (1 of 4 stars). 5 submissions from 5 submitters: Uncertain significance (4); Likely benign (1). Last evaluated 2025-10-01.

Conditions:
Patterned macular dystrophy 2. Identifiers: Orphanet 99001, MedGen C1837029, MONDO:0012162, OMIM 608970.
Hereditary cancer-predisposing syndrome. Also called: Tumor predisposition; Hereditary neoplastic syndrome; Hereditary Cancer Syndrome; Neoplastic Syndromes, Hereditary. Identifiers: Orphanet 140162, MedGen C0027672, MeSH D009386, MONDO:0015356.
Hereditary gastric cancer. Identifiers: Orphanet 423776, MedGen C5680075, MONDO:0018502.

Allele frequency attached by ClinVar (database versions not stated): gnomAD 0.00001; ExAC 0.00002; gnomAD exomes 0.00002.
gnomAD v4.1: 27 of 1,609,880 alleles (0.0017%); highest among the groups gnomAD compares: African/African-American, 0.0013%; no homozygotes.

Submissions (5):

Labcorp Genetics (formerly Invitae), Labcorp
Classification: Likely benign. Last evaluated: 2025-10-01. Review status: criteria provided, single submitter. Criteria: Invitae Variant Classification Sherloc (09022015). Collection method: clinical testing. Allele origin: germline.

Center for Genomic Medicine, Rigshospitalet, Copenhagen University Hospital
Classification: Uncertain significance. Last evaluated: 2025-03-04. Review status: criteria provided, single submitter. Criteria: ACMG Guidelines, 2015. Collection method: clinical testing. Allele origin: germline.

Ambry Genetics
Classification: Uncertain significance for Hereditary cancer-predisposing syndrome. Last evaluated: 2024-01-12. Review status: criteria provided, single submitter. Criteria: Ambry Variant Classification Scheme 2023. Collection method: clinical testing. Allele origin: germline.
Comment: The c.1185G>A variant (also known as p.L395L), located in coding exon 8 of the CTNNA1 gene, results from a G to A substitution at nucleotide position 1185. This nucleotide substitution does not change the leucine at codon 395. This nucleotide position is highly conserved in available vertebrate species. In silico splice site analysis predicts that this alteration may result in the creation or strengthening of a novel splice acceptor site. The evidence for this gene-disease relationship is limited; therefore, the clinical significance of this alteration is unclear.

Baylor Genetics
Classification: Uncertain significance for Patterned macular dystrophy 2. Last evaluated: 2023-10-10. Review status: criteria provided, single submitter. Criteria: ACMG Guidelines, 2015. Collection method: clinical testing. Allele origin: unknown.

University of Washington Department of Laboratory Medicine, University of Washington
Classification: Uncertain significance for Hereditary cancer-predisposing syndrome. Last evaluated: 2015-11-20. Review status: criteria provided, single submitter. Criteria: Shirts et al. (Genet Med 2016). Collection method: clinical testing. Allele origin: germline. Affected: no. Observed: 1 variant allele.

NM_001903.5(CTNNA1):c.1185G>A (p.Leu395=)

Gene: CTNNA1 (catenin alpha 1; plus strand). Cytogenetic location: 5q31.2.
Variant type: single nucleotide variant.
Coding change: c.1185G>A on transcript NM_001903.5 (MANE Select); coding-DNA position 1185, G replaced by A.
Protein change: p.Leu395=; no amino-acid change (leucine 395 retained).
Molecular consequence: synonymous variant. On other transcripts: 5 prime UTR variant (5), intron variant (2).
Genome position (GRCh38, 1-based): chr5:138,887,531, G>A. VCF-style: chr5-138887531-G-A. GRCh37 (hg19) VCF-style: chr5-138223220-G-A.
Other names: c.1185G>A, p.Leu395= (NM_001290307.3, NM_001323982.2, NM_001323983.1 and 3 more transcripts); c.876G>A, p.Leu292= (NM_001290309.3); c.816G>A, p.Leu272= (NM_001290310.3); c.75G>A, p.Leu25= (NM_001290312.1, NM_001323987.1, NM_001323988.1 and 18 more transcripts); c.-323G>A (NM_001324006.1, NM_001324007.1, NM_001324008.1 and 1 more transcripts); c.-198G>A (NM_001324013.1); c.-58+11934G>A (NM_001324012.1); c.-61+11934G>A (NM_001324010.1).
Identifiers: ClinVar variation 224567 (VCV000224567.16), dbSNP rs748186935, ClinGen allele CA351216.